The following is an entry in ClinVar:

ClinVar aggregate classification (germline): Uncertain significance (1 of 4 stars; one submission).

Conditions:
PLXNA4-related disorder. Also called: PLXNA4-related condition.

gnomAD v4.1: 3 of 1,614,018 alleles (0.00019%); highest among the groups gnomAD compares: Non-Finnish European, 0.00025%; no homozygotes.

Submission:

PreventionGenetics, part of Exact Sciences
Classification: Uncertain significance for PLXNA4-related condition. Last evaluated: 2026-06-23. Review status: criteria provided, single submitter. Criteria: ACMG Guidelines, 2015. Collection method: clinical testing. Allele origin: germline.
Comment: The PLXNA4 c.5054A>G variant is predicted to result in the amino acid substitution p.Lys1685Arg. This variant is located near an exon-intron boundary, and is predicted to disrupt splicing, based on available splicing prediction programs (SpliceAI, Jaganathan et al. 2019. PubMed ID: 30661751). To our knowledge, this variant has not been reported in the literature. This variant is reported in 0.00088% of alleles in individuals of European (Non-Finnish) descent in gnomAD. At this time, the clinical significance of this variant is uncertain due to the absence of conclusive functional and genetic evidence.

NM_020911.2(PLXNA4):c.5054A>G (p.Lys1685Arg)

Gene: PLXNA4 (plexin A4; minus strand). Cytogenetic location: 7q32.3.
Variant type: single nucleotide variant.
Coding change: c.5054A>G on transcript NM_020911.2 (MANE Select); coding-DNA position 5054, A replaced by G.
Protein change: p.Lys1685Arg; replaces lysine 1685 with arginine.
Molecular consequence: missense variant.
Genome position (GRCh38, 1-based): chr7:132,146,511, T>C on the plus strand (A>G on the coding strand, the complement: PLXNA4 is on the minus strand). VCF-style: chr7-132146511-T-C. GRCh37 (hg19) VCF-style: chr7-131831270-T-C.
Other names: c.5054A>G, p.Lys1685Arg (NM_001393897.1); short protein forms K1685R.
Identifiers: ClinVar variation 3353773 (VCV003353773.2).